The following is an entry in ClinVar:

ClinVar aggregate classification (germline): Likely benign (1 of 4 stars; one submission).

Allele frequency attached by ClinVar (database versions not stated): ESP Exome Variant Server 0.00202; 1000 Genomes Project 30x 0.00250; gnomAD 0.00276; 1000 Genomes Project 0.00280.
gnomAD v4.1: 825 of 1,563,964 alleles (0.053%); highest among the groups gnomAD compares: African/African-American, 1%; 5 homozygotes.

Submission:

CeGaT Center for Human Genetics Tuebingen
Classification: Likely benign. Last evaluated: 2022-05-01. Review status: criteria provided, single submitter. Criteria: CeGaT Center For Human Genetics Tuebingen Variant Classification Criteria Version 2. Collection method: clinical testing. Allele origin: germline. Affected: yes. Observed: 1 variant allele.
Comment: DCLK2: BP4, BP7

NM_001040260.4(DCLK2):c.63G>C (p.Pro21=)

Gene: DCLK2 (doublecortin like kinase 2; plus strand). Cytogenetic location: 4q31.23.
Variant type: single nucleotide variant.
Coding change: c.63G>C on transcript NM_001040260.4 (MANE Select); coding-DNA position 63, G replaced by C.
Protein change: p.Pro21=; no amino-acid change (proline 21 retained).
Molecular consequence: synonymous variant. On other transcripts: non-coding transcript variant (1).
Genome position (GRCh38, 1-based): chr4:150,079,090, G>C. VCF-style: chr4-150079090-G-C. GRCh37 (hg19) VCF-style: chr4-151000242-G-C.
Other names: c.63G>C, p.Pro21= (NM_001040261.5, NM_001410852.1).
Identifiers: ClinVar variation 2655120 (VCV002655120.24), dbSNP rs368575203, ClinGen allele CA3100569.